The following is an entry in ClinVar:

ClinVar aggregate classification (germline): Uncertain significance. Review status: criteria provided, multiple submitters, no conflicts (2 of 4 stars). 2 submissions from 2 submitters: Uncertain significance (2). Last evaluated 2026-01-06.

Conditions:
Familial cancer of breast. Also called: BREAST CANCER, FAMILIAL; Hereditary breast cancer; hereditary breast carcinoma. Identifiers: Orphanet 227535, MedGen C0346153, MONDO:0016419, OMIM 114480. Disease mechanism: loss of function.
Hereditary cancer-predisposing syndrome. Also called: Tumor predisposition; Hereditary neoplastic syndrome; Neoplastic Syndromes, Hereditary; Hereditary Cancer Syndrome. Identifiers: Orphanet 140162, MedGen C0027672, MeSH D009386, MONDO:0015356.

Allele frequency attached by ClinVar (database versions not stated): gnomAD exomes below 0.00001.
gnomAD v4.1: 1 of 1,614,182 alleles (0.000062%); highest among the groups gnomAD compares: Non-Finnish European, 0.000085%; no homozygotes.

Submissions (2):

Labcorp Genetics (formerly Invitae), Labcorp
Classification: Uncertain significance for Familial cancer of breast. Last evaluated: 2026-01-06. Review status: criteria provided, single submitter. Criteria: Invitae Variant Classification Sherloc (09022015). Collection method: clinical testing. Allele origin: germline.
Comment: This sequence change replaces glutamine, which is neutral and polar, with glutamic acid, which is acidic and polar, at codon 479 of the PALB2 protein (p.Gln479Glu). This variant is not present in population databases (gnomAD no frequency). This variant has not been reported in the literature in individuals affected with PALB2-related conditions. ClinVar contains an entry for this variant (Variation ID: 1009971). Invitae Evidence Modeling of protein sequence and biophysical properties (such as structural, functional, and spatial information, amino acid conservation, physicochemical variation, residue mobility, and thermodynamic stability) indicates that this missense variant is not expected to disrupt PALB2 protein function with a negative predictive value of 80%. In summary, the available evidence is currently insufficient to determine the role of this variant in disease. Therefore, it has been classified as a Variant of Uncertain Significance.

Ambry Genetics
Classification: Uncertain significance for Hereditary cancer-predisposing syndrome. Last evaluated: 2024-11-23. Review status: criteria provided, single submitter. Criteria: Ambry Variant Classification Scheme 2023. Collection method: clinical testing. Allele origin: germline.
Comment: The p.Q479E variant (also known as c.1435C>G), located in coding exon 4 of the PALB2 gene, results from a C to G substitution at nucleotide position 1435. The glutamine at codon 479 is replaced by glutamic acid, an amino acid with highly similar properties. This alteration was identified in 2/1358 non-cancer control individuals and in 0/57 cases, in a study looking at cancer predisposition mutations in patients with cutaneous melanoma and a history of at least two additional non-cutaneous melanoma primary cancers (Pritchard AL et al. PLoS One, 2018 Apr;13:e0194098). This amino acid position is well conserved in available vertebrate species. In addition, this alteration is predicted to be tolerated by in silico analysis. Since supporting evidence is limited at this time, the clinical significance of this alteration remains unclear.

Literature cited by the submitters: PubMed 29641532 (cited by Ambry Genetics).

NM_024675.4(PALB2):c.1435C>G (p.Gln479Glu)

Gene: PALB2 (partner and localizer of BRCA2; minus strand). Cytogenetic location: 16p12.2.
Variant type: single nucleotide variant.
Coding change: c.1435C>G on transcript NM_024675.4 (MANE Select); coding-DNA position 1435, C replaced by G.
Protein change: p.Gln479Glu; replaces glutamine 479 with glutamic acid.
Molecular consequence: missense variant.
Genome position (GRCh38, 1-based): chr16:23,635,111, G>C on the plus strand (C>G on the coding strand, the complement: PALB2 is on the minus strand). VCF-style: chr16-23635111-G-C. GRCh37 (hg19) VCF-style: chr16-23646432-G-C.
Other names: short protein forms Q479E.
Identifiers: ClinVar variation 1009971 (VCV001009971.13), dbSNP rs1060502761, ClinGen allele CA395131280.